The following is an entry in ClinVar:

ClinVar aggregate classification (germline): Pathogenic (1 of 4 stars; one submission).

Conditions:
Hereditary factor XI deficiency disease. Also called: PLASMA THROMBOPLASTIN ANTECEDENT DEFICIENCY; PTA DEFICIENCY; ROSENTHAL SYNDROME; Congenital factor XI deficiency. Identifiers: Orphanet 329, MedGen C0015523, MeSH D005173, MONDO:0012897, OMIM 612416.

Submission:

Myriad Genetics, Inc.
Classification: Pathogenic for Hereditary factor XI deficiency disease. Last evaluated: 2024-05-14. Review status: criteria provided, single submitter. Criteria: Myriad Autosomal Dominant, Autosomal Recessive and X-Linked Classification Criteria (2023). Collection method: clinical testing. Allele origin: unknown.
Comment: NM_000128.3(F11):c.1206del1ins20(V403Lfs*44) is expected to be pathogenic in the context of factor XI deficiency. This variant is predicted to lead to an abnormal or absent protein product due to the creation of a premature termination codon in F11, a gene where loss-of-function variants are known to be pathogenic. Please note: this variant was assessed in the context of healthy population screening.

NM_000128.4(F11):c.1206delinsACTGTCTCTTATACACATCT (p.Val403fs)

Gene: F11 (coagulation factor XI; plus strand). Cytogenetic location: 4q35.2.
Variant type: Indel.
Coding change: c.1206delinsACTGTCTCTTATACACATCT on transcript NM_000128.4 (MANE Select); coding-DNA position 1206, G replaced by ACTGTCTCTTATACACATCT.
Protein change: p.Val403fs; shifts the reading frame from valine 403.
Molecular consequence: frameshift variant.
Genome position (GRCh38, 1-based): chr4:186,284,162, G replaced by ACTGTCTCTTATACACATCT. VCF-style: chr4-186284162-G-ACTGTCTCTTATACACATCT. GRCh37 (hg19) VCF-style: chr4-187205316-G-ACTGTCTCTTATACACATCT.
Other names: c.1158delinsACTGTCTCTTATACACATCT, p.Val387fs (NM_001440590.1, NM_001440596.1); c.1206delinsACTGTCTCTTATACACATCT, p.Val403fs (NM_001440593.1); c.936delinsACTGTCTCTTATACACATCT, p.Val313fs (NM_001440605.1, NM_001440607.1); c.888delinsACTGTCTCTTATACACATCT, p.Val297fs (NM_001440606.1, NM_001440608.1); short protein forms V297fs, V313fs, V387fs, V403fs.
Identifiers: ClinVar variation 5011230 (VCV005011230.1).